The following is an entry in ClinVar:

NM_005876.5(SPEG):c.4601T>C (p.Val1534Ala)

Gene: SPEG (striated muscle enriched protein kinase; plus strand). Cytogenetic location: 2q35.
Variant type: single nucleotide variant.
Coding change: c.4601T>C on transcript NM_005876.5 (MANE Select); coding-DNA position 4601, T replaced by C.
Protein change: p.Val1534Ala; replaces valine 1534 with alanine.
Molecular consequence: missense variant.
Genome position (GRCh38, 1-based): chr2:219,477,317, T>C. VCF-style: chr2-219477317-T-C. GRCh37 (hg19) VCF-style: chr2-220342039-T-C.
Other names: short protein forms V1534A.
Identifiers: ClinVar variation 1484203 (VCV001484203.6), dbSNP rs923705216, ClinGen allele CA65982683.

ClinVar aggregate classification (germline): Uncertain significance (1 of 4 stars; one submission).

Allele frequency attached by ClinVar (database versions not stated): gnomAD 0.00001; gnomAD exomes 0.00001; TOPMed 0.00001.
gnomAD v4.1: 4 of 1,613,122 alleles (0.00025%); highest among the groups gnomAD compares: Admixed American, 0.0067%; no homozygotes.

Submission:

Labcorp Genetics (formerly Invitae), Labcorp
Classification: Uncertain significance. Last evaluated: 2022-08-16. Review status: criteria provided, single submitter. Criteria: Invitae Variant Classification Sherloc (09022015). Collection method: clinical testing. Allele origin: germline.
Comment: Algorithms developed to predict the effect of missense changes on protein structure and function are either unavailable or do not agree on the potential impact of this missense change (SIFT: "Tolerated"; PolyPhen-2: "Probably Damaging"; Align-GVGD: "Class C0"). ClinVar contains an entry for this variant (Variation ID: 1484203). This variant has not been reported in the literature in individuals affected with SPEG-related conditions. This variant is present in population databases (no rsID available, gnomAD 0.006%). This sequence change replaces valine, which is neutral and non-polar, with alanine, which is neutral and non-polar, at codon 1534 of the SPEG protein (p.Val1534Ala). In summary, the available evidence is currently insufficient to determine the role of this variant in disease. Therefore, it has been classified as a Variant of Uncertain Significance.